The following is an entry in ClinVar:

ClinVar aggregate classification (germline): Benign/Likely benign. Review status: criteria provided, multiple submitters, no conflicts (2 of 4 stars). 6 submissions from 6 submitters: Benign (4); Likely benign (1). 1 of the submissions does not count toward it. Last evaluated 2026-01-28.

Conditions:
SACS-related disorder. Also called: SACS-related condition.
Spastic paraplegia. Identifiers: MedGen C0037772, HP:0001258.

Allele frequency attached by ClinVar (database versions not stated): gnomAD exomes 0.00070; ExAC 0.00084; gnomAD 0.00251 and 0.00264; TOPMed 0.00291; ESP Exome Variant Server 0.00308; 1000 Genomes Project 0.00399; 1000 Genomes Project 30x 0.00437.
gnomAD v4.1: 745 of 1,614,070 alleles (0.046%); highest among the groups gnomAD compares: African/African-American, 0.87%; 3 homozygotes.

Submissions (6):

Labcorp Genetics (formerly Invitae), Labcorp
Classification: Benign for Spastic paraplegia. Last evaluated: 2026-01-28. Review status: criteria provided, single submitter. Criteria: Invitae Variant Classification Sherloc (09022015). Collection method: clinical testing. Allele origin: germline.

Blueprint Genetics
Classification: Likely benign. Last evaluated: 2024-08-06. Review status: criteria provided, single submitter. Criteria: ACMG Guidelines, 2015. Collection method: clinical testing. Allele origin: germline.

Athena Diagnostics
Classification: Benign. Last evaluated: 2024-06-05. Review status: criteria provided, single submitter. Criteria: Athena Diagnostics Criteria. Collection method: clinical testing. Allele origin: unknown.

Mayo Clinic Laboratories, Mayo Clinic
Classification: Benign. Last evaluated: 2024-02-27. Review status: criteria provided, single submitter. Criteria: ACMG Guidelines, 2015. Collection method: clinical testing. Allele origin: germline. Observed: 3 variant alleles.
Comment: BA1, BP4, BP7

Breakthrough Genomics
Classification: Benign. Review status: criteria provided, single submitter. Criteria: ACMG Guidelines, 2015. Collection method: not provided. Allele origin: germline. Inheritance: Autosomal recessive inheritance. Affected: yes.

PreventionGenetics, part of Exact Sciences
Classification: Benign for SACS-related condition. Last evaluated: 2019-08-07. Review status: no assertion criteria provided. Collection method: clinical testing. Allele origin: germline. Not counted in ClinVar's aggregate classification.
Comment: This variant is classified as benign based on ACMG/AMP sequence variant interpretation guidelines (Richards et al. 2015 PMID: 25741868, with internal and published modifications).

NM_014363.6(SACS):c.5307T>C (p.His1769=)

Gene: SACS (sacsin molecular chaperone; minus strand). Cytogenetic location: 13q12.12.
Variant type: single nucleotide variant.
Coding change: c.5307T>C on transcript NM_014363.6 (MANE Select); coding-DNA position 5307, T replaced by C.
Protein change: p.His1769=; no amino-acid change (histidine 1769 retained).
Molecular consequence: synonymous variant.
Genome position (GRCh38, 1-based): chr13:23,338,569, A>G on the plus strand (T>C on the coding strand, the complement: SACS is on the minus strand). VCF-style: chr13-23338569-A-G. GRCh37 (hg19) VCF-style: chr13-23912708-A-G.
Other names: p.His1769=; c.4866T>C, p.His1622= (NM_001278055.2).
Identifiers: ClinVar variation 528014 (VCV000528014.19), dbSNP rs145747008, ClinGen allele CA6911267.